The following is an entry in ClinVar:

ClinVar aggregate classification (germline): Uncertain significance. Review status: criteria provided, multiple submitters, no conflicts (2 of 4 stars). 2 submissions from 2 submitters: Uncertain significance (2). Last evaluated 2025-08-01.

Conditions:
Hereditary cancer-predisposing syndrome. Also called: Tumor predisposition; Hereditary neoplastic syndrome; Hereditary Cancer Syndrome; Neoplastic Syndromes, Hereditary. Identifiers: Orphanet 140162, MedGen C0027672, MeSH D009386, MONDO:0015356.
Retinoblastoma (RB1). Also called: RETINOBLASTOMA, SOMATIC. Identifiers: Orphanet 790, MedGen C0035335, MeSH D012175, MONDO:0008380, OMIM 180200, HP:0009919. Disease mechanism: loss of function. Inheritance: Both sporadic and heritable forms are tested..

Submissions (2):

Ambry Genetics
Classification: Uncertain significance for Hereditary cancer-predisposing syndrome. Last evaluated: 2025-08-01. Review status: criteria provided, single submitter. Criteria: Ambry Variant Classification Scheme 2023. Collection method: clinical testing. Allele origin: germline.
Comment: The c.1826C>T variant (also known as p.P609L), located in coding exon 19 of the RB1 gene, results from a C to T substitution at nucleotide position 1826. The proline at codon 609 is replaced by leucine, an amino acid with similar properties. This amino acid position is highly conserved in available vertebrate species. In addition, this alteration is predicted to be deleterious by in silico analysis. This nucleotide position is highly conserved in available vertebrate species. In silico splice site analysis predicts that this alteration will result in the creation or strengthening of a novel splice acceptor site. RNA studies have demonstrated that this alteration results in a splice defect; the clinical impact of this abnormal splicing is unknown at this time (Ambry internal data). Based on the available evidence, the clinical significance of this variant remains unclear.

Labcorp Genetics (formerly Invitae), Labcorp
Classification: Uncertain significance for Retinoblastoma. Last evaluated: 2023-12-05. Review status: criteria provided, single submitter. Criteria: Invitae Variant Classification Sherloc (09022015). Collection method: clinical testing. Allele origin: germline.
Comment: This sequence change replaces proline, which is neutral and non-polar, with leucine, which is neutral and non-polar, at codon 609 of the RB1 protein (p.Pro609Leu). This variant is not present in population databases (gnomAD no frequency). This variant has not been reported in the literature in individuals affected with RB1-related conditions. Advanced modeling of protein sequence and biophysical properties (such as structural, functional, and spatial information, amino acid conservation, physicochemical variation, residue mobility, and thermodynamic stability) performed at Invitae indicates that this missense variant is expected to disrupt RB1 protein function with a positive predictive value of 80%. In summary, the available evidence is currently insufficient to determine the role of this variant in disease. Therefore, it has been classified as a Variant of Uncertain Significance.

NM_000321.3(RB1):c.1826C>T (p.Pro609Leu)

Gene: RB1 (RB transcriptional corepressor 1; plus strand). Cytogenetic location: 13q14.2.
Variant type: single nucleotide variant.
Coding change: c.1826C>T on transcript NM_000321.3 (MANE Select); coding-DNA position 1826, C replaced by T.
Protein change: p.Pro609Leu; replaces proline 609 with leucine.
Molecular consequence: missense variant.
Genome position (GRCh38, 1-based): chr13:48,456,215, C>T. VCF-style: chr13-48456215-C-T. GRCh37 (hg19) VCF-style: chr13-49030351-C-T.
Other names: c.1826C>T, p.Pro609Leu (NM_001407165.1); short protein forms P609L.
Identifiers: ClinVar variation 2962928 (VCV002962928.4), dbSNP rs2138331020, ClinGen allele CA388165712.